The following is an entry in ClinVar:

NM_002734.5(PRKAR1A):c.522C>A (p.Phe174Leu)

Gene: PRKAR1A (protein kinase cAMP-dependent type I regulatory subunit alpha; plus strand). Cytogenetic location: 17q24.2.
Variant type: single nucleotide variant.
Coding change: c.522C>A on transcript NM_002734.5 (MANE Select); coding-DNA position 522, C replaced by A.
Protein change: p.Phe174Leu; replaces phenylalanine 174 with leucine.
Molecular consequence: missense variant.
Genome position (GRCh38, 1-based): chr17:68,524,931, C>A. VCF-style: chr17-68524931-C-A. GRCh37 (hg19) VCF-style: chr17-66521072-C-A.
Other names: c.522C>A, p.Phe174Leu (NM_001276289.2, NM_001276290.1, NM_001278433.2 and 4 more transcripts); short protein forms F174L.
Identifiers: ClinVar variation 3938098 (VCV003938098.1).

ClinVar aggregate classification (germline): Uncertain significance (1 of 4 stars; one submission).

Conditions:
Hereditary cancer-predisposing syndrome. Also called: Tumor predisposition; Hereditary neoplastic syndrome; Hereditary Cancer Syndrome; Neoplastic Syndromes, Hereditary. Identifiers: Orphanet 140162, MedGen C0027672, MeSH D009386, MONDO:0015356.

gnomAD v4.1: 1 of 1,609,718 alleles (0.000062%); highest among the groups gnomAD compares: Non-Finnish European, 0.000085%; no homozygotes.

Submission:

Ambry Genetics
Classification: Uncertain significance for Hereditary cancer-predisposing syndrome. Last evaluated: 2025-05-19. Review status: criteria provided, single submitter. Criteria: Ambry Variant Classification Scheme 2023. Collection method: clinical testing. Allele origin: germline.
Comment: The p.F174L variant (also known as c.522C>A), located in coding exon 5 of the PRKAR1A gene, results from a C to A substitution at nucleotide position 522. The phenylalanine at codon 174 is replaced by leucine, an amino acid with highly similar properties. This amino acid position is conserved. In addition, this alteration is predicted to be deleterious by in silico analysis. Based on the available evidence, the clinical significance of this variant remains unclear.